The following is an entry in ClinVar:

NM_001378454.1(ALMS1):c.2890T>G (p.Phe964Val)

Gene: ALMS1 (ALMS1 centrosome and basal body associated protein; plus strand). Cytogenetic location: 2p13.1.
Variant type: single nucleotide variant.
Coding change: c.2890T>G on transcript NM_001378454.1 (MANE Select); coding-DNA position 2890, T replaced by G.
Protein change: p.Phe964Val; replaces phenylalanine 964 with valine.
Molecular consequence: missense variant.
Genome position (GRCh38, 1-based): chr2:73,449,417, T>G. VCF-style: chr2-73449417-T-G. GRCh37 (hg19) VCF-style: chr2-73676544-T-G.
Other names: c.2893T>G, p.Phe965Val (NM_015120.4); short protein forms F965V, F964V.
Identifiers: ClinVar variation 1507981 (VCV001507981.5), dbSNP rs2103776905, ClinGen allele CA347272815.
Genomic context (GRCh38, chr2:73,449,417, plus strand): 5'-AAGACTGGGACACCAACAGTGTCCTCTAATTCTCACTCACATAGCGAGAAATCTAGTGTT[T>G]TCTACCAGCAAGAGTTGCCAGACAGTGATCTACCTAGAGAATCTCTGAAAATGTCTGCTA-3'
Protein context (NP_001365383.1, residues 954-974): SHSHSEKSSV[Phe964Val]YQQELPDSDL

ClinVar aggregate classification (germline): Uncertain significance. Review status: criteria provided, multiple submitters, no conflicts (2 of 4 stars). 2 submissions from 2 submitters: Uncertain significance (2). Last evaluated 2025-12-17.

Conditions:
Alstrom syndrome (ALMS). Identifiers: Orphanet 64, MedGen C0268425, MONDO:0008763, OMIM 203800.

Submissions (2):

Labcorp Genetics (formerly Invitae), Labcorp
Classification: Uncertain significance for Alstrom syndrome. Last evaluated: 2025-12-17. Review status: criteria provided, single submitter. Criteria: Invitae Variant Classification Sherloc (09022015). Collection method: clinical testing. Allele origin: germline.
Comment: This sequence change replaces phenylalanine, which is neutral and non-polar, with valine, which is neutral and non-polar, at codon 965 of the ALMS1 protein (p.Phe965Val). This variant is not present in population databases (gnomAD no frequency). This variant has not been reported in the literature in individuals affected with ALMS1-related conditions. ClinVar contains an entry for this variant (Variation ID: 1507981). Experimental studies and prediction algorithms are not available or were not evaluated, and the functional significance of this variant is currently unknown. In summary, the available evidence is currently insufficient to determine the role of this variant in disease. Therefore, it has been classified as a Variant of Uncertain Significance.

Laboratorio de Genetica e Diagnostico Molecular, Hospital Israelita Albert Einstein
Classification: Uncertain significance for Alstrom syndrome. Last evaluated: 2023-05-25. Review status: criteria provided, single submitter. Criteria: ACMG Guidelines, 2015. Collection method: clinical testing. Allele origin: germline. Affected: yes.
Comment: ACMG classification criteria: PM2 moderate, BP4 supporting